The following is an entry in ClinVar:

ClinVar aggregate classification (germline): Uncertain significance (1 of 4 stars; one submission).

Conditions:
Atrial fibrillation, familial, 7 (ATFB7). Identifiers: MedGen C2677106, MONDO:0012828, OMIM 612240.

Allele frequency attached by ClinVar (database versions not stated): gnomAD exomes below 0.00001; ExAC 0.00001.
gnomAD v4.1: 2 of 1,613,310 alleles (0.00012%); highest among the groups gnomAD compares: Non-Finnish European, 0.00017%; no homozygotes.

Submission:

Labcorp Genetics (formerly Invitae), Labcorp
Classification: Uncertain significance for Atrial fibrillation, familial, 7. Last evaluated: 2018-06-07. Review status: criteria provided, single submitter. Criteria: Invitae Variant Classification Sherloc (09022015). Collection method: clinical testing. Allele origin: germline.
Comment: In summary, the available evidence is currently insufficient to determine the role of this variant in disease. Therefore, it has been classified as a Variant of Uncertain Significance. Algorithms developed to predict the effect of missense changes on protein structure and function are either unavailable or do not agree on the potential impact of this missense change (SIFT: "Deleterious"; PolyPhen-2: "Probably Damaging"; Align-GVGD: "Class C0"). This variant has not been reported in the literature in individuals with KCNA5-related disease. This variant is present in population databases (rs765166524, ExAC 0.002%). This sequence change replaces threonine with lysine at codon 611 of the KCNA5 protein (p.Thr611Lys). The threonine residue is moderately conserved and there is a moderate physicochemical difference between threonine and lysine.

NM_002234.4(KCNA5):c.1832C>A (p.Thr611Lys)

Gene: KCNA5 (potassium voltage-gated channel subfamily A member 5; plus strand). Cytogenetic location: 12p13.32.
Variant type: single nucleotide variant.
Coding change: c.1832C>A on transcript NM_002234.4 (MANE Select); coding-DNA position 1832, C replaced by A.
Protein change: p.Thr611Lys; replaces threonine 611 with lysine.
Molecular consequence: missense variant.
Genome position (GRCh38, 1-based): chr12:5,045,979, C>A. VCF-style: chr12-5045979-C-A. GRCh37 (hg19) VCF-style: chr12-5155145-C-A.
Other names: short protein forms T611K.
Identifiers: ClinVar variation 566746 (VCV000566746.8), dbSNP rs765166524, ClinGen allele CA6399955.